The following is an entry in ClinVar:

ClinVar aggregate classification (germline): Likely pathogenic (1 of 4 stars; one submission).

Submission:

GeneDx
Classification: Likely pathogenic. Last evaluated: 2024-08-03. Review status: criteria provided, single submitter. Criteria: GeneDx Variant Classification Process June 2021. Collection method: clinical testing. Allele origin: germline. Affected: yes.
Comment: In silico analysis supports that this missense variant has a deleterious effect on protein structure/function; Not observed at significant frequency in large population cohorts (gnomAD)

NM_000171.4(GLRA1):c.229G>C (p.Gly77Arg)

Gene: GLRA1 (glycine receptor alpha 1; minus strand). Cytogenetic location: 5q33.1.
Variant type: single nucleotide variant.
Coding change: c.229G>C on transcript NM_000171.4 (MANE Select); coding-DNA position 229, G replaced by C.
Protein change: p.Gly77Arg; replaces glycine 77 with arginine.
Molecular consequence: missense variant. On other transcripts: 5 prime UTR variant (1).
Genome position (GRCh38, 1-based): chr5:151,886,744, C>G on the plus strand (G>C on the coding strand, the complement: GLRA1 is on the minus strand). VCF-style: chr5-151886744-C-G. GRCh37 (hg19) VCF-style: chr5-151266305-C-G.
Other names: c.229G>C, p.Gly77Arg (NM_001146040.2); c.-21G>C (NM_001292000.2); short protein forms G77R.
Identifiers: ClinVar variation 1310080 (VCV001310080.3), dbSNP rs761410250, ClinGen allele CA361846453.
Genomic context (GRCh38, chr5:151,886,744, plus strand): 5'-CAGCAGGAACTAACAGCTTGTGTTTTGACTTACTCACCATGGTTGTCTCAGCAATGGAAC[C>G]AAAGCTGTTGATGAAAATGTTGCAGCTCACGTTCACTGGGGGACCTGCCAATCAAGAGAG-3'
Protein context (NP_000162.2, residues 67-87): VSCNIFINSF[Gly77Arg]SIAETTMDYR